The following is an entry in ClinVar:

NM_001290043.2(TAP2):c.773C>T (p.Thr258Ile)

Gene: TAP2 (transporter 2, ATP binding cassette subfamily B member; minus strand). Cytogenetic location: 6p21.32.
Variant type: single nucleotide variant.
Coding change: c.773C>T on transcript NM_001290043.2 (MANE Select); coding-DNA position 773, C replaced by T.
Protein change: p.Thr258Ile; replaces threonine 258 with isoleucine.
Molecular consequence: missense variant.
Genome position (GRCh38, 1-based): chr6:32,835,326, G>A on the plus strand (C>T on the coding strand, the complement: TAP2 is on the minus strand). VCF-style: chr6-32835326-G-A. GRCh37 (hg19) VCF-style: chr6-32803103-G-A.
Other names: c.773C>T, p.Thr258Ile (NM_000544.3, NM_018833.3); short protein forms T258I.
Identifiers: ClinVar variation 2184079 (VCV002184079.3), dbSNP rs2127363385, ClinGen allele CA363584729.

ClinVar aggregate classification (germline): Uncertain significance (1 of 4 stars; one submission).

Conditions:
MHC class I deficiency. Identifiers: Orphanet 34592, MedGen C6024714, MONDO:0011476.

Allele frequency attached by ClinVar (database versions not stated): gnomAD exomes below 0.00001.

Submission:

Labcorp Genetics (formerly Invitae), Labcorp
Classification: Uncertain significance for MHC class I deficiency 1. Last evaluated: 2025-11-11. Review status: criteria provided, single submitter. Criteria: Invitae Variant Classification Sherloc (09022015). Collection method: clinical testing. Allele origin: germline.
Comment: This sequence change replaces threonine, which is neutral and polar, with isoleucine, which is neutral and non-polar, at codon 258 of the TAP2 protein (p.Thr258Ile). This variant is not present in population databases (gnomAD no frequency). This variant has not been reported in the literature in individuals affected with TAP2-related conditions. ClinVar contains an entry for this variant (Variation ID: 2184079). Experimental studies and prediction algorithms are not available or were not evaluated, and the functional significance of this variant is currently unknown. In summary, the available evidence is currently insufficient to determine the role of this variant in disease. Therefore, it has been classified as a Variant of Uncertain Significance.